The following is an entry in ClinVar:

ClinVar aggregate classification (germline): Uncertain significance (0 of 4 stars; one submission).

Conditions:
SDCCAG8-related disorder. Also called: SDCCAG8-related condition; SDCCAG8-Related Disorders.

Allele frequency attached by ClinVar (database versions not stated): gnomAD exomes below 0.00001; ExAC 0.00001; gnomAD 0.00001; TOPMed 0.00001.
gnomAD v4.1: 2 of 1,614,006 alleles (0.00012%); highest among the groups gnomAD compares: African/African-American, 0.0027%; no homozygotes.

Submission:

PreventionGenetics, part of Exact Sciences
Classification: Uncertain significance for SDCCAG8-related condition. Last evaluated: 2024-02-15. Review status: no assertion criteria provided. Collection method: clinical testing. Allele origin: germline.
Comment: The SDCCAG8 c.547-6T>A variant is predicted to interfere with splicing. To our knowledge, this variant has not been reported in the literature. This variant is reported in 0.0080% of alleles in individuals of African descent in gnomAD. At this time, the clinical significance of this variant is uncertain due to the absence of conclusive functional and genetic evidence.

NM_006642.5(SDCCAG8):c.547-6T>A

Gene: SDCCAG8 (SHH signaling and ciliogenesis regulator SDCCAG8; plus strand). Cytogenetic location: 1q43.
Variant type: single nucleotide variant.
Coding change: c.547-6T>A on transcript NM_006642.5 (MANE Select); 6 bases into the intron before coding-DNA position 547, T replaced by A.
Molecular consequence: intron variant.
Genome position (GRCh38, 1-based): chr1:243,293,085, T>A. VCF-style: chr1-243293085-T-A. GRCh37 (hg19) VCF-style: chr1-243456387-T-A.
Other names: c.253-6T>A (NM_001350249.2); c.-827-6T>A (NM_001350251.2); c.547-6T>A (NM_001350248.2); c.-566-6T>A (NM_001350246.2); c.-454-6T>A (NM_001350247.2).
Identifiers: ClinVar variation 3051162 (VCV003051162.2), dbSNP rs774144062, ClinGen allele CA1483343.